The following is an entry in ClinVar:

NM_182972.3(IRF2BP2):c.281AGC[8] (p.Gln98_Leu99insGlnGlnGln)

Genes: IRF2BP2 (interferon regulatory factor 2 binding protein 2; minus strand), LOC129932812 (ATAC-STARR-seq lymphoblastoid silent region 1977; plus strand). Cytogenetic location: 1q42.3.
Variant type: Microsatellite.
Coding change: c.281AGC[8] on transcript NM_182972.3 (MANE Select); eight copies in a row of the 3-base unit AGC starting at c.281; the reference has five copies in a row; three copies, 9 bases duplicated.
Protein change: p.Gln98_Leu99insGlnGlnGln.
Molecular consequence: inframe insertion.
Genome position (GRCh38, 1-based): chr1:234,609,200-234,609,208, GCTGCTGCT duplicated on the plus strand (AGCAGCAGC on the coding strand, the reverse complement: IRF2BP2 is on the minus strand); duplicating any 9 consecutive bases within chr1:234,609,200-234,609,216 gives the same sequence; the position shown is the placement nearest the transcript's 3' end. VCF-style (leftmost placement, unchanged base first): chr1-234609199-A-AGCTGCTGCT. GRCh37 (hg19) VCF-style: chr1-234744945-A-AGCTGCTGCT.
Other names: c.281AGC[8], p.Gln98_Leu99insGlnGlnGln (NM_001077397.1).
Identifiers: ClinVar variation 2982674 (VCV002982674.3), dbSNP rs371994015, ClinGen allele CA529918300.

ClinVar aggregate classification (germline): Uncertain significance (1 of 4 stars; one submission).

Submission:

Labcorp Genetics (formerly Invitae), Labcorp
Classification: Uncertain significance. Last evaluated: 2023-08-04. Review status: criteria provided, single submitter. Criteria: Invitae Variant Classification Sherloc (09022015). Collection method: clinical testing. Allele origin: germline.
Comment: This variant, c.287_295dup, results in the insertion of 3 amino acid(s) of the IRF2BP2 protein (p.Gln96_Gln98dup), but otherwise preserves the integrity of the reading frame. This variant is not present in population databases (gnomAD no frequency). In summary, the available evidence is currently insufficient to determine the role of this variant in disease. Therefore, it has been classified as a Variant of Uncertain Significance. Experimental studies and prediction algorithms are not available or were not evaluated, and the functional significance of this variant is currently unknown. This variant has not been reported in the literature in individuals affected with IRF2BP2-related conditions.